The following is an entry in ClinVar:

NM_003482.4(KMT2D):c.3844G>T (p.Gly1282Cys)

Genes: KMT2D (lysine methyltransferase 2D; minus strand), LOC126861520 (CDK7 strongly-dependent group 2 enhancer GRCh37_chr12:49442744-49443943; plus strand). Cytogenetic location: 12q13.12.
Variant type: single nucleotide variant.
Coding change: c.3844G>T on transcript NM_003482.4 (MANE Select); coding-DNA position 3844, G replaced by T.
Protein change: p.Gly1282Cys; replaces glycine 1282 with cysteine.
Molecular consequence: missense variant.
Genome position (GRCh38, 1-based): chr12:49,049,744, C>A on the plus strand (G>T on the coding strand, the complement: KMT2D is on the minus strand). VCF-style: chr12-49049744-C-A. GRCh37 (hg19) VCF-style: chr12-49443527-C-A.
Other names: short protein forms G1282C.
Identifiers: ClinVar variation 992302 (VCV000992302.13), dbSNP rs1937812728, ClinGen allele CA384652954.

ClinVar aggregate classification (germline): Uncertain significance. Review status: criteria provided, multiple submitters, no conflicts (2 of 4 stars). 3 submissions from 3 submitters: Uncertain significance (3). Last evaluated 2024-03-05.

Conditions:
Kabuki syndrome 1 (KABUK1). Also called: KMT2D-Related Kabuki Syndrome. Identifiers: Orphanet 2322, MedGen CN030661, MONDO:0007843, OMIM 147920.
Choanal atresia-athelia-hypothyroidism-delayed puberty-short stature syndrome (BCAHH). Also called: BRANCHIAL ARCH ABNORMALITIES, CHOANAL ATRESIA, ATHELIA, HEARING LOSS, AND HYPOTHYROIDISM SYNDROME. Identifiers: Orphanet 589856, MedGen C5680310, MONDO:0035651, OMIM 620186.
Kabuki syndrome. Also called: NIIKAWA-KUROKI SYNDROME; Kabuki make-up syndrome. Identifiers: Orphanet 2322, MedGen C0796004, MONDO:0016512.

Allele frequency attached by ClinVar (database versions not stated): gnomAD exomes below 0.00001.
gnomAD v4.1: 2 of 1,607,234 alleles (0.00012%); highest among the groups gnomAD compares: Non-Finnish European, 0.00017%; no homozygotes.

Submissions (3):

Fulgent Genetics
Classification: Uncertain significance for Kabuki syndrome 1; Choanal atresia-athelia-hypothyroidism-delayed puberty-short stature syndrome. Last evaluated: 2024-03-05. Review status: criteria provided, single submitter. Criteria: ACMG Guidelines, 2015. Collection method: clinical testing. Allele origin: germline.

Labcorp Genetics (formerly Invitae), Labcorp
Classification: Uncertain significance for Kabuki syndrome. Last evaluated: 2023-02-03. Review status: criteria provided, single submitter. Criteria: Invitae Variant Classification Sherloc (09022015). Collection method: clinical testing. Allele origin: germline.
Comment: This sequence change replaces glycine, which is neutral and non-polar, with cysteine, which is neutral and slightly polar, at codon 1282 of the KMT2D protein (p.Gly1282Cys). This variant is not present in population databases (gnomAD no frequency). This variant has not been reported in the literature in individuals affected with KMT2D-related conditions. ClinVar contains an entry for this variant (Variation ID: 992302). Advanced modeling of protein sequence and biophysical properties (such as structural, functional, and spatial information, amino acid conservation, physicochemical variation, residue mobility, and thermodynamic stability) performed at Invitae indicates that this missense variant is not expected to disrupt KMT2D protein function. In summary, the available evidence is currently insufficient to determine the role of this variant in disease. Therefore, it has been classified as a Variant of Uncertain Significance.

Greenwood Genetic Center Diagnostic Laboratories, Greenwood Genetic Center
Classification: Uncertain significance. Last evaluated: 2020-08-21. Review status: criteria provided, single submitter. Criteria: ACMG Guidelines, 2015. Collection method: clinical testing. Allele origin: germline. Affected: yes.